The following is an entry in ClinVar:

ClinVar aggregate classification (germline): Uncertain significance. Review status: criteria provided, multiple submitters, no conflicts (2 of 4 stars). 2 submissions from 2 submitters: Uncertain significance (2). Last evaluated 2025-02-28.

gnomAD v4.1: 5 of 1,613,594 alleles (0.00031%); highest among the groups gnomAD compares: East Asian, 0.0022%; no homozygotes.

Submissions (2):

Ambry Genetics
Classification: Uncertain significance. Last evaluated: 2025-02-28. Review status: criteria provided, single submitter. Criteria: Ambry Variant Classification Scheme 2023. Collection method: clinical testing. Allele origin: germline.
Comment: The p.K749E variant (also known as c.2245A>G), located in coding exon 13 of the GEN1 gene, results from an A to G substitution at nucleotide position 2245. The lysine at codon 749 is replaced by glutamic acid, an amino acid with similar properties. This amino acid position is conserved. In addition, this alteration is predicted to be tolerated by in silico analysis. Based on the available evidence, the clinical significance of this variant remains unclear.

Labcorp Genetics (formerly Invitae), Labcorp
Classification: Uncertain significance. Last evaluated: 2024-02-06. Review status: criteria provided, single submitter. Criteria: Invitae Variant Classification Sherloc (09022015). Collection method: clinical testing. Allele origin: germline.
Comment: This sequence change replaces lysine, which is basic and polar, with glutamic acid, which is acidic and polar, at codon 749 of the GEN1 protein (p.Lys749Glu). This variant is present in population databases (rs767044083, gnomAD 0.006%). This variant has not been reported in the literature in individuals affected with GEN1-related conditions. Algorithms developed to predict the effect of missense changes on protein structure and function output the following: SIFT: "Not Available"; PolyPhen-2: "Benign"; Align-GVGD: "Not Available". The glutamic acid amino acid residue is found in multiple mammalian species, which suggests that this missense change does not adversely affect protein function. In summary, the available evidence is currently insufficient to determine the role of this variant in disease. Therefore, it has been classified as a Variant of Uncertain Significance.

NM_001130009.3(GEN1):c.2245A>G (p.Lys749Glu)

Gene: GEN1 (GEN1 structure-specific endonuclease; plus strand). Cytogenetic location: 2p24.2.
Variant type: single nucleotide variant.
Coding change: c.2245A>G on transcript NM_001130009.3 (MANE Select); coding-DNA position 2245, A replaced by G.
Protein change: p.Lys749Glu; replaces lysine 749 with glutamic acid.
Molecular consequence: missense variant.
Genome position (GRCh38, 1-based): chr2:17,781,457, A>G. VCF-style: chr2-17781457-A-G. GRCh37 (hg19) VCF-style: chr2-17962724-A-G.
Other names: c.2245A>G (NM_001130009.1); c.2245A>G, p.Lys749Glu (NM_182625.5); short protein forms K749E.
Identifiers: ClinVar variation 3715571 (VCV003715571.3).